The following is an entry in ClinVar:

NM_019844.4(SLCO1B3):c.360-7C>T

Genes: SLCO1B3 (solute carrier organic anion transporter family member 1B3; plus strand), SLCO1B3-SLCO1B7 (SLCO1B3-SLCO1B7 readthrough; plus strand). Cytogenetic location: 12p12.2.
Variant type: single nucleotide variant.
Coding change: c.360-7C>T on transcript NM_019844.4 (MANE Select); 7 bases into the intron before coding-DNA position 360, C replaced by T.
Molecular consequence: intron variant.
Genome position (GRCh38, 1-based): chr12:20,861,010, C>T. VCF-style: chr12-20861010-C-T. GRCh37 (hg19) VCF-style: chr12-21013944-C-T.
Other names: c.276-7C>T (NM_001349920.2); c.360-7C>T (NM_001371097.1).
Identifiers: ClinVar variation 4983052 (VCV004983052.1).

ClinVar aggregate classification (germline): Likely benign (1 of 4 stars; one submission).

Conditions:
SLCO1B3-related disorder. Also called: SLCO1B3-related condition.

gnomAD v4.1: 1 of 1,562,084 alleles (0.000064%); highest among the groups gnomAD compares: South Asian, 0.0012%; no homozygotes.

Submission:

PreventionGenetics, part of Exact Sciences
Classification: Likely benign for SLCO1B3-related condition. Last evaluated: 2025-11-26. Review status: criteria provided, single submitter. Criteria: ACMG Guidelines, 2015. Collection method: clinical testing. Allele origin: germline.
Comment: This variant is classified as likely benign based on ACMG/AMP sequence variant interpretation guidelines (Richards et al. 2015 PMID: 25741868, with internal and published modifications).